The following is an entry in ClinVar:

NM_001243133.2(NLRP3):c.2270G>A (p.Arg757Lys)

Gene: NLRP3 (NLR family pyrin domain containing 3; plus strand). Cytogenetic location: 1q44.
Variant type: single nucleotide variant.
Coding change: c.2270G>A on transcript NM_001243133.2 (MANE Select); coding-DNA position 2270, G replaced by A.
Protein change: p.Arg757Lys; replaces arginine 757 with lysine.
Molecular consequence: missense variant. On other transcripts: intron variant (2).
Genome position (GRCh38, 1-based): chr1:247,429,704, G>A. VCF-style: chr1-247429704-G-A. GRCh37 (hg19) VCF-style: chr1-247593006-G-A.
Other names: c.2270G>A, p.Arg757Lys (NM_001079821.3, NM_001127461.3); c.2276G>A, p.Arg759Lys (NM_004895.5); c.2150+4105G>A (NM_001127462.3, NM_183395.3); short protein forms R757K, R759K.
Identifiers: ClinVar variation 1017813 (VCV001017813.6), dbSNP rs201466599, ClinGen allele CA345559384.

ClinVar aggregate classification (germline): Uncertain significance (1 of 4 stars; one submission).

Conditions:
Cryopyrin associated periodic syndrome (CAPS). Identifiers: Orphanet 208650, MedGen C2316212, MONDO:0016168.

gnomAD v4.1: 1 of 1,614,146 alleles (0.000062%); highest among the groups gnomAD compares: Non-Finnish European, 0.000085%; no homozygotes.

Submission:

Labcorp Genetics (formerly Invitae), Labcorp
Classification: Uncertain significance for Cryopyrin associated periodic syndrome. Last evaluated: 2022-08-23. Review status: criteria provided, single submitter. Criteria: Invitae Variant Classification Sherloc (09022015). Collection method: clinical testing. Allele origin: germline.
Comment: ClinVar contains an entry for this variant (Variation ID: 1017813). In summary, the available evidence is currently insufficient to determine the role of this variant in disease. Therefore, it has been classified as a Variant of Uncertain Significance. Algorithms developed to predict the effect of missense changes on protein structure and function output the following: SIFT: "Tolerated"; PolyPhen-2: "Benign"; Align-GVGD: "Class C0". The lysine amino acid residue is found in multiple mammalian species, which suggests that this missense change does not adversely affect protein function. This variant has not been reported in the literature in individuals affected with NLRP3-related conditions. This variant is not present in population databases (gnomAD no frequency). This sequence change replaces arginine, which is basic and polar, with lysine, which is basic and polar, at codon 759 of the NLRP3 protein (p.Arg759Lys).